The following is an entry in ClinVar:

ClinVar aggregate classification (germline): Uncertain significance. Review status: criteria provided, multiple submitters, no conflicts (2 of 4 stars). 2 submissions from 2 submitters: Uncertain significance (2). Last evaluated 2024-03-22.

Conditions:
Glomerulopathy with fibronectin deposits 2 (GFND2). Identifiers: Orphanet 84090, MedGen C1866075, MONDO:0011165, OMIM 601894.
Spondylometaphyseal dysplasia - Sutcliffe type. Also called: Sutcliffe type of spondylometaphyseal dysplasia; Sutcliffe SMD; Spondylometaphyseal dysplasia, 'corner fracture' type; Spondylometaphyseal Dysplasia, Corner Fracture Type. Identifiers: Orphanet 93315, MedGen C0432221, MONDO:0008479, OMIM 184255.

Allele frequency attached by ClinVar (database versions not stated): gnomAD 0.00001; gnomAD exomes 0.00002; TOPMed 0.00003; ExAC 0.00007; ESP Exome Variant Server 0.00008.
gnomAD v4.1: 27 of 1,614,032 alleles (0.0017%); highest among the groups gnomAD compares: Non-Finnish European, 0.002%; no homozygotes.

Submissions (2):

Fulgent Genetics
Classification: Uncertain significance for Spondylometaphyseal dysplasia - Sutcliffe type; Glomerulopathy with fibronectin deposits 2. Last evaluated: 2024-03-22. Review status: criteria provided, single submitter. Criteria: ACMG Guidelines, 2015. Collection method: clinical testing. Allele origin: germline.

Labcorp Genetics (formerly Invitae), Labcorp
Classification: Uncertain significance. Last evaluated: 2022-10-07. Review status: criteria provided, single submitter. Criteria: Invitae Variant Classification Sherloc (09022015). Collection method: clinical testing. Allele origin: germline.
Comment: This sequence change replaces lysine, which is basic and polar, with glutamic acid, which is acidic and polar, at codon 1169 of the FN1 protein (p.Lys1169Glu). This variant is present in population databases (rs373362388, gnomAD 0.01%). This variant has not been reported in the literature in individuals affected with FN1-related conditions. Advanced modeling of protein sequence and biophysical properties (such as structural, functional, and spatial information, amino acid conservation, physicochemical variation, residue mobility, and thermodynamic stability) performed at Invitae indicates that this missense variant is not expected to disrupt FN1 protein function. In summary, the available evidence is currently insufficient to determine the role of this variant in disease. Therefore, it has been classified as a Variant of Uncertain Significance.

NM_212482.4(FN1):c.3505A>G (p.Lys1169Glu)

Gene: FN1 (fibronectin 1; minus strand). Cytogenetic location: 2q35.
Variant type: single nucleotide variant.
Coding change: c.3505A>G on transcript NM_212482.4 (MANE Select); coding-DNA position 3505, A replaced by G.
Protein change: p.Lys1169Glu; replaces lysine 1169 with glutamic acid.
Molecular consequence: missense variant.
Genome position (GRCh38, 1-based): chr2:215,397,692, T>C on the plus strand (A>G on the coding strand, the complement: FN1 is on the minus strand). VCF-style: chr2-215397692-T-C. GRCh37 (hg19) VCF-style: chr2-216262415-T-C.
Other names: c.3505A>G, p.Lys1169Glu (NM_001306129.2, NM_001306130.2, NM_001306131.2 and 13 more transcripts); short protein forms K1169E.
Identifiers: ClinVar variation 2193294 (VCV002193294.5), dbSNP rs373362388, ClinGen allele CA2094697.